The following is an entry in ClinVar:

ClinVar aggregate classification (germline): Uncertain significance (1 of 4 stars; one submission).

Conditions:
Osteogenesis imperfecta type 7 (OI7). Also called: OSTEOGENESIS IMPERFECTA, TYPE IIB; OI type 7; OI type VII; Osteogenesis imperfecta type 2B; OI type 2B; Osteogenesis imperfecta, perinatal lethal autosomal recessive. Identifiers: MedGen C1853162, MONDO:0012536, OMIM 610682.

Allele frequency attached by ClinVar (database versions not stated): TOPMed below 0.00001.

Submission:

Labcorp Genetics (formerly Invitae), Labcorp
Classification: Uncertain significance for Osteogenesis imperfecta type 7. Last evaluated: 2025-03-31. Review status: criteria provided, single submitter. Criteria: Invitae Variant Classification Sherloc (09022015). Collection method: clinical testing. Allele origin: germline.
Comment: This sequence change replaces glutamic acid, which is acidic and polar, with aspartic acid, which is acidic and polar, at codon 146 of the CRTAP protein (p.Glu146Asp). This variant is not present in population databases (gnomAD no frequency). This variant has not been reported in the literature in individuals affected with CRTAP-related conditions. ClinVar contains an entry for this variant (Variation ID: 2182767). Invitae Evidence Modeling of protein sequence and biophysical properties (such as structural, functional, and spatial information, amino acid conservation, physicochemical variation, residue mobility, and thermodynamic stability) indicates that this missense variant is not expected to disrupt CRTAP protein function with a negative predictive value of 80%. In summary, the available evidence is currently insufficient to determine the role of this variant in disease. Therefore, it has been classified as a Variant of Uncertain Significance.

NM_006371.5(CRTAP):c.438G>T (p.Glu146Asp)

Gene: CRTAP (cartilage associated protein; plus strand). Cytogenetic location: 3p22.3.
Variant type: single nucleotide variant.
Coding change: c.438G>T on transcript NM_006371.5 (MANE Select); coding-DNA position 438, G replaced by T.
Protein change: p.Glu146Asp; replaces glutamic acid 146 with aspartic acid.
Molecular consequence: missense variant.
Genome position (GRCh38, 1-based): chr3:33,114,515, G>T. VCF-style: chr3-33114515-G-T. GRCh37 (hg19) VCF-style: chr3-33156007-G-T.
Other names: c.438G>T, p.Glu146Asp (NM_001393363.1, NM_001393364.1, NM_001393365.1); short protein forms E146D.
Identifiers: ClinVar variation 2182767 (VCV002182767.4), dbSNP rs1292171511, ClinGen allele CA352008849.
Genomic context (GRCh38, chr3:33,114,515, plus strand): 5'-GCCAGCCTTCCGCCAGTCCCAGCCCAGCCGCGAGGTGCTGGCGGACTTCCAGCGCCGCGA[G>T]CCCTACAAGTTCCTGCAGTTCGCTTACTTCAAGGCAAGTCCGCCTCGCCCCGTCCCAGGC-3'
Protein context (NP_006362.1, residues 136-156): REVLADFQRR[Glu146Asp]PYKFLQFAYF